The following is an entry in ClinVar:

NM_031935.3(HMCN1):c.1203C>G (p.Phe401Leu)

Gene: HMCN1 (hemicentin 1; plus strand). Cytogenetic location: 1q31.1.
Variant type: single nucleotide variant.
Coding change: c.1203C>G on transcript NM_031935.3 (MANE Select); coding-DNA position 1203, C replaced by G.
Protein change: p.Phe401Leu; replaces phenylalanine 401 with leucine.
Molecular consequence: missense variant.
Genome position (GRCh38, 1-based): chr1:185,923,571, C>G. VCF-style: chr1-185923571-C-G. GRCh37 (hg19) VCF-style: chr1-185892703-C-G.
Other names: short protein forms F401L.
Identifiers: ClinVar variation 4711451 (VCV004711451.1).
Genomic context (GRCh38, chr1:185,923,571, plus strand): 5'-ACATCGAAAACCTTATGGCATATGGAATATTTCTGACTTTGTACCACCAAATGAAGCTTT[C>G]TTTCTCAAAGTAACAGGCTATGATAAAGATGATTACCTCTTCCAGAGAGTATCAAGTGTT-3'
Protein context (NP_114141.2, residues 391-411): ISDFVPPNEA[Phe401Leu]FLKVTGYDKD

ClinVar aggregate classification (germline): Uncertain significance (1 of 4 stars; one submission).

gnomAD v4.1: 1 of 1,610,744 alleles (0.000062%); highest among the groups gnomAD compares: Non-Finnish European, 0.000085%; no homozygotes.

Submission:

Labcorp Genetics (formerly Invitae), Labcorp
Classification: Uncertain significance. Last evaluated: 2025-12-13. Review status: criteria provided, single submitter. Criteria: Invitae Variant Classification Sherloc (09022015). Collection method: clinical testing. Allele origin: germline.
Comment: This sequence change replaces phenylalanine, which is neutral and non-polar, with leucine, which is neutral and non-polar, at codon 401 of the HMCN1 protein (p.Phe401Leu). This variant is not present in population databases (gnomAD no frequency). This variant has not been reported in the literature in individuals affected with HMCN1-related conditions. An algorithm developed to predict the effect of missense changes on protein structure and function (PolyPhen-2) suggests that this variant is likely to be disruptive. In summary, the available evidence is currently insufficient to determine the role of this variant in disease. Therefore, it has been classified as a Variant of Uncertain Significance.